The following is an entry in ClinVar:

NM_002878.4(RAD51D):c.264-15C>G

Genes: RAD51L3-RFFL (RAD51L3-RFFL readthrough; minus strand), RAD51D (RAD51 paralog D; minus strand). Cytogenetic location: 17q12.
Variant type: single nucleotide variant.
Coding change: c.264-15C>G on transcript NM_002878.4 (MANE Select); 15 bases into the intron before coding-DNA position 264, C replaced by G.
Molecular consequence: intron variant.
Genome position (GRCh38, 1-based): chr17:35,107,462, G>C on the plus strand (C>G on the coding strand, the complement: RAD51D is on the minus strand). VCF-style: chr17-35107462-G-C. GRCh37 (hg19) VCF-style: chr17-33434481-G-C.
Other names: c.145-981C>G (NM_133629.3); c.324-15C>G (NM_001142571.2).
Identifiers: ClinVar variation 514428 (VCV000514428.2), dbSNP rs56103933, ClinGen allele CA658798814.

ClinVar aggregate classification (germline): Likely benign. Review status: criteria provided, multiple submitters, no conflicts (2 of 4 stars). 2 submissions from 2 submitters: Likely benign (2). Last evaluated 2025-03-11.

Conditions:
Breast-ovarian cancer, familial, susceptibility to, 4. Identifiers: Orphanet 145, MedGen C3280345, MONDO:0013669, OMIM 614291.

Submissions (2):

Labcorp Genetics (formerly Invitae), Labcorp
Classification: Likely benign for Breast-ovarian cancer, familial, susceptibility to, 4. Last evaluated: 2025-03-11. Review status: criteria provided, single submitter. Criteria: Invitae Variant Classification Sherloc (09022015). Collection method: clinical testing. Allele origin: germline.

GeneDx
Classification: Likely benign. Last evaluated: 2017-12-26. Review status: criteria provided, single submitter. Criteria: GeneDx Variant Classification (06012015). Collection method: clinical testing. Allele origin: germline. Affected: yes.
Comment: This variant is considered likely benign or benign based on one or more of the following criteria: it is a conservative change, it occurs at a poorly conserved position in the protein, it is predicted to be benign by multiple in silico algorithms, and/or has population frequency not consistent with disease.